The following is an entry in ClinVar:

NM_001330260.2(SCN8A):c.2398A>G (p.Met800Val)

Gene: SCN8A (sodium voltage-gated channel alpha subunit 8; plus strand). Cytogenetic location: 12q13.13.
Variant type: single nucleotide variant.
Coding change: c.2398A>G on transcript NM_001330260.2 (MANE Select); coding-DNA position 2398, A replaced by G.
Protein change: p.Met800Val; replaces methionine 800 with valine.
Molecular consequence: missense variant.
Genome position (GRCh38, 1-based): chr12:51,762,530, A>G. VCF-style: chr12-51762530-A-G. GRCh37 (hg19) VCF-style: chr12-52156314-A-G.
Other names: c.2398A>G, p.Met800Val (NM_001177984.3, NM_001369788.1, NM_014191.4); short protein forms M800V.
Identifiers: ClinVar variation 1896864 (VCV001896864.5), dbSNP rs779614976, ClinGen allele CA6571474.

ClinVar aggregate classification (germline): Uncertain significance (1 of 4 stars; one submission).

Conditions:
Early-infantile DEE. Also called: Early infantile epileptic encephalopathy with suppression bursts; Early infantile epileptic encephalopathy; Ohtahara syndrome. Identifiers: Orphanet 1934, MedGen C0393706, MONDO:0800491.

Allele frequency attached by ClinVar (database versions not stated): gnomAD exomes below 0.00001; ExAC 0.00001.
gnomAD v4.1: 1 of 1,613,646 alleles (0.000062%); highest among the groups gnomAD compares: South Asian, 0.0011%; no homozygotes.

Submission:

Labcorp Genetics (formerly Invitae), Labcorp
Classification: Uncertain significance for Early-infantile DEE. Last evaluated: 2025-01-25. Review status: criteria provided, single submitter. Criteria: Invitae Variant Classification Sherloc (09022015). Collection method: clinical testing. Allele origin: germline.
Comment: This sequence change replaces methionine, which is neutral and non-polar, with valine, which is neutral and non-polar, at codon 800 of the SCN8A protein (p.Met800Val). This variant is present in population databases (rs779614976, gnomAD 0.003%). This variant has not been reported in the literature in individuals affected with SCN8A-related conditions. ClinVar contains an entry for this variant (Variation ID: 1896864). Invitae Evidence Modeling of protein sequence and biophysical properties (such as structural, functional, and spatial information, amino acid conservation, physicochemical variation, residue mobility, and thermodynamic stability) has been performed for this missense variant. However, the output from this modeling did not meet the statistical confidence thresholds required to predict the impact of this variant on SCN8A protein function. In summary, the available evidence is currently insufficient to determine the role of this variant in disease. Therefore, it has been classified as a Variant of Uncertain Significance.